The following is an entry in ClinVar:

ClinVar aggregate classification (germline): Uncertain significance (1 of 4 stars; one submission).

gnomAD v4.1: 2 of 1,614,010 alleles (0.00012%); highest among the groups gnomAD compares: Non-Finnish European, 0.00017%; no homozygotes.

Submission:

Labcorp Genetics (formerly Invitae), Labcorp
Classification: Uncertain significance. Last evaluated: 2026-01-12. Review status: criteria provided, single submitter. Criteria: Invitae Variant Classification Sherloc (09022015). Collection method: clinical testing. Allele origin: germline.
Comment: This sequence change replaces proline, which is neutral and non-polar, with threonine, which is neutral and polar, at codon 1186 of the ARHGEF10 protein (p.Pro1186Thr). This variant is present in population databases (no rsID available, gnomAD 0.007%). This variant has not been reported in the literature in individuals affected with ARHGEF10-related conditions. ClinVar contains an entry for this variant (Variation ID: 2790399). Invitae Evidence Modeling of protein sequence and biophysical properties (such as structural, functional, and spatial information, amino acid conservation, physicochemical variation, residue mobility, and thermodynamic stability) has been performed for this missense variant. However, the output from this modeling did not meet the statistical confidence thresholds required to predict the impact of this variant on ARHGEF10 protein function. In summary, the available evidence is currently insufficient to determine the role of this variant in disease. Therefore, it has been classified as a Variant of Uncertain Significance.

NM_014629.4(ARHGEF10):c.3556C>A (p.Pro1186Thr)

Gene: ARHGEF10 (Rho guanine nucleotide exchange factor 10; plus strand). Cytogenetic location: 8p23.3.
Variant type: single nucleotide variant.
Coding change: c.3556C>A on transcript NM_014629.4 (MANE Select); coding-DNA position 3556, C replaced by A.
Protein change: p.Pro1186Thr; replaces proline 1186 with threonine.
Molecular consequence: missense variant.
Genome position (GRCh38, 1-based): chr8:1,956,784, C>A. VCF-style: chr8-1956784-C-A. GRCh37 (hg19) VCF-style: chr8-1904950-C-A.
Other names: c.3442C>A, p.Pro1148Thr (NM_001308152.2); c.3556C>A, p.Pro1186Thr (NM_001308153.3); short protein forms P1210T, P1148T, P1186T.
Identifiers: ClinVar variation 2790399 (VCV002790399.3), dbSNP rs781053332, ClinGen allele CA369957935.
Genomic context (GRCh38, chr8:1,956,784, plus strand): 5'-GCTGTTGAACTGTTTCCCTTTTCAGGAAGAGGCATGGTCTCCTACCATGCACACAACAGT[C>A]CTGTCAAATTCATCGTCCTGGCCACGGCTCTGCACGAGAAAGACAAGGACAAATCCAGGG-3'
Protein context (NP_055444.2, residues 1176-1196): GMVSYHAHNS[Pro1186Thr]VKFIVLATAL